The following is an entry in ClinVar:

ClinVar aggregate classification (germline): Uncertain significance (1 of 4 stars; one submission).

Submission:

Labcorp Genetics (formerly Invitae), Labcorp
Classification: Uncertain significance. Last evaluated: 2023-11-13. Review status: criteria provided, single submitter. Criteria: Invitae Variant Classification Sherloc (09022015). Collection method: clinical testing. Allele origin: germline.
Comment: This sequence change replaces leucine, which is neutral and non-polar, with glutamine, which is neutral and polar, at codon 975 of the MERTK protein (p.Leu975Gln). This variant is not present in population databases (gnomAD no frequency). This variant has not been reported in the literature in individuals affected with MERTK-related conditions. ClinVar contains an entry for this variant (Variation ID: 2125569). Advanced modeling of protein sequence and biophysical properties (such as structural, functional, and spatial information, amino acid conservation, physicochemical variation, residue mobility, and thermodynamic stability) has been performed at Invitae for this missense variant, however the output from this modeling did not meet the statistical confidence thresholds required to predict the impact of this variant on MERTK protein function. In summary, the available evidence is currently insufficient to determine the role of this variant in disease. Therefore, it has been classified as a Variant of Uncertain Significance.

NM_006343.3(MERTK):c.2924T>A (p.Leu975Gln)

Gene: MERTK (MER proto-oncogene, tyrosine kinase; plus strand). Cytogenetic location: 2q13.
Variant type: single nucleotide variant.
Coding change: c.2924T>A on transcript NM_006343.3 (MANE Select); coding-DNA position 2924, T replaced by A.
Protein change: p.Leu975Gln; replaces leucine 975 with glutamine.
Molecular consequence: missense variant.
Genome position (GRCh38, 1-based): chr2:112,028,788, T>A. VCF-style: chr2-112028788-T-A. GRCh37 (hg19) VCF-style: chr2-112786365-T-A.
Other names: short protein forms L975Q.
Identifiers: ClinVar variation 2125569 (VCV002125569.4), dbSNP rs1383025218, ClinGen allele CA348245078.